The following is an entry in ClinVar:

NM_007186.6(CEP250):c.4318_4319del (p.Leu1440fs)

Gene: CEP250 (centrosomal protein 250; plus strand). Cytogenetic location: 20q11.22.
Variant type: Microsatellite.
Coding change: c.4318_4319del on transcript NM_007186.6 (MANE Select); coding-DNA positions 4318 to 4319, 2 bases deleted (CT; older notation c.4318_4319delCT).
Protein change: p.Leu1440fs; shifts the reading frame from leucine 1440.
Molecular consequence: frameshift variant.
Genome position (GRCh38, 1-based): chr20:35,502,687-35,502,688, CT deleted; deleting any 2 consecutive bases within chr20:35,502,685-35,502,688 gives the same sequence; the c. name uses the placement nearest the transcript's 3' end. VCF-style (leftmost placement, unchanged base first): chr20-35502684-ACT-A. GRCh37 (hg19) VCF-style: chr20-34090512-ACT-A.
Other names: c.2422_2423del, p.Leu808fs (NM_001318219.1); short protein forms L808fs, L1440fs.
Identifiers: ClinVar variation 3696007 (VCV003696007.2).
Genomic context (GRCh38, chr20:35,502,684, plus strand): 5'-CTGCAAGAGAATTTGGCCCTCCTGACCCAGACCCTAGCTGAAAGAGAAGAGGAGGTGGAG[ACT>A]CTGCGGGGACAAATCCAGGAACTGGAGAAGCAACGGGAAATGCAGAAGGCTGCTTTGGAA-3'

ClinVar aggregate classification (germline): Pathogenic (1 of 4 stars; one submission).

Submission:

Labcorp Genetics (formerly Invitae), Labcorp
Classification: Pathogenic. Last evaluated: 2024-07-24. Review status: criteria provided, single submitter. Criteria: Invitae Variant Classification Sherloc (09022015). Collection method: clinical testing. Allele origin: germline.
Comment: This sequence change creates a premature translational stop signal (p.Leu1440Alafs*46) in the CEP250 gene. It is expected to result in an absent or disrupted protein product. Loss-of-function variants in CEP250 are known to be pathogenic (PMID: 24780881, 29718797). This variant is present in population databases (rs750308771, gnomAD 0.003%). This variant has not been reported in the literature in individuals affected with CEP250-related conditions. For these reasons, this variant has been classified as Pathogenic.

Literature cited by the submitters: PubMed 24780881; PubMed 29718797.